The following is an entry in ClinVar:

NM_000545.8(HNF1A):c.367C>G (p.Leu123Val)

Gene: HNF1A (HNF1 homeobox A; plus strand). Cytogenetic location: 12q24.31.
Variant type: single nucleotide variant.
Coding change: c.367C>G on transcript NM_000545.8 (MANE Select); coding-DNA position 367, C replaced by G.
Protein change: p.Leu123Val; replaces leucine 123 with valine.
Molecular consequence: missense variant.
Genome position (GRCh38, 1-based): chr12:120,988,873, C>G. VCF-style: chr12-120988873-C-G. GRCh37 (hg19) VCF-style: chr12-121426676-C-G.
Other names: NM_000545.8(HNF1A):c.367C>G; p.Leu123Val; c.367C>G, p.Leu123Val (NM_001306179.2); short protein forms L123V.
Identifiers: ClinVar variation 994547 (VCV000994547.7), dbSNP rs1876669134, ClinGen allele CA386959145.

ClinVar aggregate classification (germline): Likely pathogenic. Review status: reviewed by expert panel (3 of 4 stars). 3 submissions from 3 submitters: Likely pathogenic (1). 2 of the submissions do not count toward it. Last evaluated 2023-08-23.

Conditions:
Monogenic diabetes. Identifiers: Orphanet 183625, MedGen C3888631, MONDO:0015967.
Maturity-onset diabetes of the young (MODY). Also called: Maturity onset diabetes mellitus in young. Identifiers: Orphanet 552, MedGen C0342276, MONDO:0018911, HP:0004904.

Submissions (3):

ClinGen Monogenic Diabetes Variant Curation Expert Panel
Classification: Likely pathogenic for Monogenic diabetes. Last evaluated: 2023-08-23. Review status: reviewed by expert panel. Criteria: ClinGen Diabetes ACMG Specifications HNF1A V2.1.0. Collection method: curation. Allele origin: germline. Inheritance: Autosomal dominant inheritance.
Comment: The c.367C>G variant in the HNF1 homeobox A gene, HNF1A, causes an amino acid change of leucine to valine at codon 123 (p.(Leu123Val)) of NM_000545.8. This variant is predicted to be deleterious by computational evidence, with a REVEL score of 0.777, which is greater than the MDEP threshold of 0.70 (PP3) and is located within a conserved region of the DNA binding domain (codons 107-174 and 201-280) of HNF1A, which is defined as critical for the protein's function by the ClinGen MDEP (PM1_Supporting). This variant is absent from gnomAD v2.1.1 (PM2_Supporting). This variant was identified in two unrelated individuals with diabetes; however this number does not meet the MDEP cutoff for PS4_Moderate (ClinVar ID 994547, internal lab contributor). One of these individuals had a clinical history highly specific for HNF1A-monogenic diabetes (MODY probability calculator result >50%, negative genetic testing for HNF4A, and negative antibodies) (PP4_Moderate; internal lab contributors). This variant segregated with diabetes in at least 5 meioses in 1 family (internal lab contributors). Two other missense variants, c.368T>C (p.Leu123Pro) and c.368T>G (p.Leu123Arg), have been classified as VUS by the ClinGen MDEP; therefore PM5 will not be applied. In summary, c.367C>G meets the criteria to be classified as likely pathogenic for monogenic diabetes. ACMG/AMP criteria applied, as specified by the ClinGen MDEP (specification version 2.1.0, approved 8/11/2023): PP1_Strong, PP4_Moderate, PP3, PM1_Supporting, PM2_Supporting.

Athena Diagnostics
Classification: Uncertain significance. Last evaluated: 2019-11-14. Review status: criteria provided, single submitter. Criteria: Athena Diagnostics Criteria. Collection method: clinical testing. Allele origin: unknown. Not counted in ClinVar's aggregate classification.

Clinical Genomics, Uppaluri K&H Personalized Medicine Clinic
Classification: Uncertain risk allele for Maturity-onset diabetes of the young. Review status: criteria provided, single submitter. Criteria: K & H Uppaluri Personalized Medicine Clinic Variant Classification & Assertion Criteria_Updated V.1. Collection method: research. Allele origin: unknown. Inheritance: Autosomal dominant inheritance. Not counted in ClinVar's aggregate classification.
Comment: Mutations in HNF1A gene can predispose to MODY3. It is associated with both micro and macrovascular complications of diabetes, especially cardiovascular complications. Associated with glucosuria. May respond well to sulfonylureas. However, more evidence is required to confer the association of this particular variant rs1876669134 with MODY3.

Literature cited by the submitters: PubMed 31517624 (cited by Clinical Genomics, Uppaluri K&H Personalized Medicine Clinic); PubMed 32395877 (cited by Clinical Genomics, Uppaluri K&H Personalized Medicine Clinic); PubMed 35328643 (cited by Clinical Genomics, Uppaluri K&H Personalized Medicine Clinic); PubMed 35673428 (cited by Clinical Genomics, Uppaluri K&H Personalized Medicine Clinic).